The following is an entry in ClinVar:

NM_001388453.1(QRICH2):c.435A>G (p.Leu145=)

Gene: QRICH2 (glutamine rich 2; minus strand). Cytogenetic location: 17q25.1.
Variant type: single nucleotide variant.
Coding change: c.435A>G on transcript NM_001388453.1 (MANE Select); coding-DNA position 435, A replaced by G.
Protein change: p.Leu145=; no amino-acid change (leucine 145 retained).
Molecular consequence: synonymous variant. On other transcripts: non-coding transcript variant (1).
Genome position (GRCh38, 1-based): chr17:76,307,564, T>C on the plus strand (A>G on the coding strand, the complement: QRICH2 is on the minus strand). VCF-style: chr17-76307564-T-C. GRCh37 (hg19) VCF-style: chr17-74303645-T-C.
Other names: c.435A>G, p.Leu145= (NM_032134.3).
Identifiers: ClinVar variation 2648314 (VCV002648314.24), dbSNP rs1282674327, ClinGen allele CA775141055.
Genomic context (GRCh38, chr17:76,307,564, plus strand): 5'-ACTCCCAGTCCGCACCCTATCGAACGCCCGCACGCCCACCTCCTGCTCCTCCGGCCACTC[T>C]AGCGCGGCCAGGTCAAGCCCGCTGGCCTGGGAGAAGTGCTGCACGTGCGTGGCGATGCCC-3'
Protein context (NP_001375382.1, residues 135-155): SQASGLDLAA[Leu145=]EWPEEQEVGV

ClinVar aggregate classification (germline): Likely benign (1 of 4 stars; one submission).

Allele frequency attached by ClinVar (database versions not stated): gnomAD exomes below 0.00001; TOPMed below 0.00001.
gnomAD v4.1: 2 of 1,580,046 alleles (0.00013%); highest among the groups gnomAD compares: Non-Finnish European, 0.00017%; no homozygotes.

Submission:

CeGaT Center for Human Genetics Tuebingen
Classification: Likely benign. Last evaluated: 2022-10-01. Review status: criteria provided, single submitter. Criteria: CeGaT Center For Human Genetics Tuebingen Variant Classification Criteria Version 2. Collection method: clinical testing. Allele origin: germline. Affected: yes. Observed: 1 variant allele.
Comment: QRICH2: PM2:Supporting, BP4, BP7